The following is an entry in ClinVar:

NM_057175.5(NAA15):c.103C>T (p.Gln35Ter)

Gene: NAA15 (N-alpha-acetyltransferase 15, NatA auxiliary subunit; plus strand). Cytogenetic location: 4q31.1.
Variant type: single nucleotide variant.
Coding change: c.103C>T on transcript NM_057175.5 (MANE Select); coding-DNA position 103, C replaced by T.
Protein change: p.Gln35Ter; replaces glutamine 35 with a stop codon.
Molecular consequence: nonsense.
Genome position (GRCh38, 1-based): chr4:139,334,222, C>T. VCF-style: chr4-139334222-C-T. GRCh37 (hg19) VCF-style: chr4-140255376-C-T.
Other names: short protein forms Q35*.
Identifiers: ClinVar variation 641161 (VCV000641161.6), dbSNP rs1579101697, ClinGen allele CA358257215.

ClinVar aggregate classification (germline): Pathogenic (1 of 4 stars; one submission).

Submission:

Labcorp Genetics (formerly Invitae), Labcorp
Classification: Pathogenic. Last evaluated: 2018-08-17. Review status: criteria provided, single submitter. Criteria: Invitae Variant Classification Sherloc (09022015). Collection method: clinical testing. Allele origin: germline.
Comment: For these reasons, this variant has been classified as Pathogenic. Loss-of-function variants in NAA15 are known to be pathogenic (PMID: 28191889). This sequence change creates a premature translational stop signal (p.Gln35*) in the NAA15 gene. It is expected to result in an absent or disrupted protein product. This variant is not present in population databases (ExAC no frequency). This variant has not been reported in the literature in individuals with NAA15-related disease.

Literature cited by the submitters: PubMed 28191889.